The following is an entry in ClinVar:

ClinVar aggregate classification (germline): Uncertain significance (1 of 4 stars; one submission).

Submission:

Labcorp Genetics (formerly Invitae), Labcorp
Classification: Uncertain significance. Last evaluated: 2022-04-01. Review status: criteria provided, single submitter. Criteria: Invitae Variant Classification Sherloc (09022015). Collection method: clinical testing. Allele origin: germline.
Comment: In summary, the available evidence is currently insufficient to determine the role of this variant in disease. Therefore, it has been classified as a Variant of Uncertain Significance. Algorithms developed to predict the effect of missense changes on protein structure and function (SIFT, PolyPhen-2, Align-GVGD) all suggest that this variant is likely to be disruptive. This variant has not been reported in the literature in individuals affected with POLE-related conditions. This variant is not present in population databases (gnomAD no frequency). This sequence change replaces phenylalanine, which is neutral and non-polar, with valine, which is neutral and non-polar, at codon 872 of the POLE protein (p.Phe872Val).

NM_006231.4(POLE):c.2614T>G (p.Phe872Val)

Gene: POLE (DNA polymerase epsilon, catalytic subunit; minus strand). Cytogenetic location: 12q24.33.
Variant type: single nucleotide variant.
Coding change: c.2614T>G on transcript NM_006231.4 (MANE Select); coding-DNA position 2614, T replaced by G.
Protein change: p.Phe872Val; replaces phenylalanine 872 with valine.
Molecular consequence: missense variant.
Genome position (GRCh38, 1-based): chr12:132,664,096, A>C on the plus strand (T>G on the coding strand, the complement: POLE is on the minus strand). VCF-style: chr12-132664096-A-C. GRCh37 (hg19) VCF-style: chr12-133240682-A-C.
Other names: short protein forms F872V.
Identifiers: ClinVar variation 2162765 (VCV002162765.4), dbSNP rs2542063223, ClinGen allele CA387395615.